The following is an entry in ClinVar:

NM_001267550.2(TTN):c.47936C>T (p.Pro15979Leu)

Genes: TTN (titin; minus strand), TTN-AS1 (TTN antisense RNA 1; plus strand). Cytogenetic location: 2q31.2.
Variant type: single nucleotide variant.
Coding change: c.47936C>T on transcript NM_001267550.2 (MANE Select); coding-DNA position 47936, C replaced by T.
Protein change: p.Pro15979Leu; replaces proline 15979 with leucine.
Molecular consequence: missense variant.
Genome position (GRCh38, 1-based): chr2:178,616,953, G>A on the plus strand (C>T on the coding strand, the complement: TTN is on the minus strand). VCF-style: chr2-178616953-G-A. GRCh37 (hg19) VCF-style: chr2-179481680-G-A.
Other names: c.43013C>T, p.Pro14338Leu (NM_001256850.1); c.20741C>T, p.Pro6914Leu (NM_003319.4); c.40232C>T, p.Pro13411Leu (NM_133378.4); c.21116C>T, p.Pro7039Leu (NM_133432.3); c.21317C>T, p.Pro7106Leu (NM_133437.4); short protein forms P13411L, P15979L, P6914L, P7106L, P14338L, P7039L.
Identifiers: ClinVar variation 191957 (VCV000191957.53), dbSNP rs184815126, ClinGen allele CA237963.
Genomic context (GRCh38, chr2:178,616,953, plus strand): 5'-CCAAAACACCAGGTTGCAGTTGGCCTTGGATAGCCTGTACTTGGAACCAGGATCGTGATA[G>A]GATTTGGGACAATAACTTCCAGACCATCTTTAAATGCACTTAAATCCATTGTTGGTTCAA-3'
Protein context (NP_001254479.2, residues 15969-15989): KDGLEVIVPN[Pro15979Leu]ITILVPSTGY

ClinVar aggregate classification (germline): Conflicting classifications of pathogenicity. Review status: criteria provided, conflicting classifications (1 of 4 stars). 11 submissions from 11 submitters: Uncertain significance (6); Likely benign (3). 2 of the submissions do not count toward it. Last evaluated 2026-06-01.

Conditions:
Cardiovascular phenotype. Identifiers: MedGen CN230736.
TTN-related disorder. Also called: TTN-related condition; TTN-related disease; TTN-related disorders.
Dilated cardiomyopathy 1G (CMD1G). Identifiers: Orphanet 154, MedGen C1858763, MONDO:0011400, OMIM 604145.
Autosomal recessive limb-girdle muscular dystrophy type 2J (LGMDR10). Also called: Limb-girdle muscular dystrophy, type 2J; MUSCULAR DYSTROPHY, LIMB-GIRDLE, AUTOSOMAL RECESSIVE 10. Identifiers: Orphanet 140922, MedGen C1837342, MONDO:0012127, OMIM 608807.

Allele frequency attached by ClinVar (database versions not stated): ExAC 0.00007; ESP Exome Variant Server 0.00008; gnomAD exomes 0.00009 and 0.00011; TOPMed 0.00013; gnomAD 0.00014 and 0.00015; 1000 Genomes Project 30x 0.00016; 1000 Genomes Project 0.00020.
gnomAD v4.1: 192 of 1,612,676 alleles (0.012%); highest among the groups gnomAD compares: Middle Eastern, 0.017%; no homozygotes.

Submissions (11):

PreventionGenetics, part of Exact Sciences
Classification: Uncertain significance for TTN-related condition. Last evaluated: 2026-06-01. Review status: criteria provided, single submitter. Criteria: ACMG Guidelines, 2015. Collection method: clinical testing. Allele origin: germline.
Comment: The TTN c.47936C>T variant is predicted to result in the amino acid substitution p.Pro15979Leu. To our knowledge, this variant has not been reported in the literature in individuals with TTN-related disease. This variant is reported in 0.015% of alleles in individuals of European (non-Finnish) descent in gnomAD. Although we suspect that this variant may be benign, at this time, the clinical significance of this variant is uncertain due to the absence of conclusive functional and genetic evidence.

Revvity Omics, Revvity
Classification: Uncertain significance. Last evaluated: 2024-12-10. Review status: criteria provided, single submitter. Criteria: ACMG Guidelines, 2015. Collection method: clinical testing. Allele origin: germline.

Blueprint Genetics
Classification: Likely benign. Last evaluated: 2024-01-31. Review status: criteria provided, single submitter. Criteria: ACMG Guidelines, 2015. Collection method: clinical testing. Allele origin: germline.

CeGaT Center for Human Genetics Tuebingen
Classification: Uncertain significance. Last evaluated: 2023-07-01. Review status: criteria provided, single submitter. Criteria: CeGaT Center For Human Genetics Tuebingen Variant Classification Criteria Version 2. Collection method: clinical testing. Allele origin: germline. Affected: yes. Observed: 1 variant allele.
Comment: TTN: PM2

Women's Health and Genetics/Laboratory Corporation of America, LabCorp
Classification: Uncertain significance. Last evaluated: 2022-12-04. Review status: criteria provided, single submitter. Criteria: LabCorp Variant Classification Summary - May 2015. Collection method: clinical testing. Allele origin: germline.

Ambry Genetics
Classification: Likely benign for Cardiovascular phenotype. Last evaluated: 2020-09-23. Review status: criteria provided, single submitter. Criteria: Ambry Variant Classification Scheme 2023. Collection method: clinical testing. Allele origin: germline.

GeneDx
Classification: Likely benign. Last evaluated: 2020-02-07. Review status: criteria provided, single submitter. Criteria: GeneDx Variant Classification Process June 2021. Collection method: clinical testing. Allele origin: germline. Affected: yes.

Labcorp Genetics (formerly Invitae), Labcorp
Classification: Uncertain significance for Dilated cardiomyopathy 1G; Autosomal recessive limb-girdle muscular dystrophy type 2J. Last evaluated: 2017-05-16. Review status: criteria provided, single submitter. Criteria: Invitae Variant Classification Sherloc (09022015). Collection method: clinical testing. Allele origin: germline.

Biesecker Lab/Clinical Genomics Section, National Institutes of Health
Classification: Uncertain significance. Last evaluated: 2013-06-24. Review status: criteria provided, single submitter. Criteria: Ng et al. (Circ Cardiovasc Genet. 2013). Collection method: research. Allele origin: unknown. Observed: 1 variant allele. Study: ClinSeq.
Comment: The study set was not selected for affection status in relation to any cancer. Pathogenicity categories were based on literature curation. See Pubmed ID:23861362 for details.

Medical sequencing

Diagnostic Laboratory, Department of Genetics, University Medical Center Groningen
Classification: Uncertain significance. Review status: no assertion criteria provided. Collection method: clinical testing. Allele origin: germline. Affected: yes. Study: VKGL Data-share Consensus. Not counted in ClinVar's aggregate classification.

Laboratory of Diagnostic Genome Analysis, Leiden University Medical Center (LUMC)
Classification: Uncertain significance. Review status: no assertion criteria provided. Collection method: clinical testing. Allele origin: germline. Affected: yes. Study: VKGL Data-share Consensus. Not counted in ClinVar's aggregate classification.

Literature cited by the submitters: PubMed 23861362 (cited by Ambry Genetics).